The following is an entry in ClinVar:

NM_005632.3(CAPN15):c.3231C>T (p.Val1077=)

Gene: CAPN15 (calpain 15; plus strand). Cytogenetic location: 16p13.3.
Variant type: single nucleotide variant.
Coding change: c.3231C>T on transcript NM_005632.3 (MANE Select); coding-DNA position 3231, C replaced by T.
Protein change: p.Val1077=; no amino-acid change (valine 1077 retained).
Molecular consequence: synonymous variant.
Genome position (GRCh38, 1-based): chr16:553,486, C>T. VCF-style: chr16-553486-C-T. GRCh37 (hg19) VCF-style: chr16-603486-C-T.
Identifiers: ClinVar variation 3052759 (VCV003052759.2), dbSNP rs374037837, ClinGen allele CA7779118.

ClinVar aggregate classification (germline): Likely benign (0 of 4 stars; one submission).

Conditions:
CAPN15-related disorder. Also called: CAPN15-related condition.

Allele frequency attached by ClinVar (database versions not stated): TOPMed 0.00004; gnomAD 0.00005; ExAC 0.00006; ESP Exome Variant Server 0.00015; 1000 Genomes Project 30x 0.00016; 1000 Genomes Project 0.00020.
gnomAD v4.1: 112 of 1,610,298 alleles (0.007%); highest among the groups gnomAD compares: East Asian, 0.016%; no homozygotes.

Submission:

PreventionGenetics, part of Exact Sciences
Classification: Likely benign for CAPN15-related condition. Last evaluated: 2019-08-19. Review status: no assertion criteria provided. Collection method: clinical testing. Allele origin: germline.
Comment: This variant is classified as likely benign based on ACMG/AMP sequence variant interpretation guidelines (Richards et al. 2015 PMID: 25741868, with internal and published modifications).